The following is an entry in ClinVar:

NM_153252.5(BRWD3):c.638G>A (p.Arg213His)

Gene: BRWD3 (bromodomain and WD repeat domain containing 3; minus strand). Cytogenetic location: Xq21.1.
Variant type: single nucleotide variant.
Coding change: c.638G>A on transcript NM_153252.5 (MANE Select); coding-DNA position 638, G replaced by A.
Protein change: p.Arg213His; replaces arginine 213 with histidine.
Molecular consequence: missense variant.
Genome position (GRCh38, 1-based): chrX:80,744,207, C>T on the plus strand (G>A on the coding strand, the complement: BRWD3 is on the minus strand). VCF-style: chrX-80744207-C-T. GRCh37 (hg19) VCF-style: chrX-79999706-C-T.
Other names: short protein forms R213H.
Identifiers: ClinVar variation 424329 (VCV000424329.2), dbSNP rs1064796915, ClinGen allele CA16621514.

ClinVar aggregate classification (germline): Uncertain significance (1 of 4 stars; one submission).

Allele frequency attached by ClinVar (database versions not stated): gnomAD exomes below 0.00001.
gnomAD v4.1: 3 of 1,211,216 alleles (0.00025%); highest among the groups gnomAD compares: Non-Finnish European, 0.00022%; no homozygotes.

Submission:

GeneDx
Classification: Uncertain significance. Last evaluated: 2017-03-10. Review status: criteria provided, single submitter. Criteria: GeneDx Variant Classification (06012015). Collection method: clinical testing. Allele origin: germline. Affected: yes.
Comment: The R213H variant has not been published as a pathogenic variant, nor has it been reported as abenign variant to our knowledge. This variant is not observed in large population cohorts (Lek et al.,2016; 1000 Genomes Consortium et al., 2015; Exome Variant Server). The R213H variant is aconservative amino acid substitution that is conserved across species, and in silico analysis predicts thisvariant is probably damaging to the protein structure/function. Therefore, based on the currentlyavailable information, it is unclear whether this variant is a pathogenic variant or a rare benignvariant.